The following is an entry in ClinVar:

ClinVar aggregate classification (germline): Conflicting classifications of pathogenicity. Review status: criteria provided, conflicting classifications (1 of 4 stars). 4 submissions from 4 submitters: Uncertain significance (2); Likely benign (2). Last evaluated 2026-04-01.

Conditions:
Inborn genetic diseases. Identifiers: MedGen C0950123, MeSH D030342.

Allele frequency attached by ClinVar (database versions not stated): ESP Exome Variant Server 0.00016; gnomAD 0.00081 and 0.00085; TOPMed 0.00137; gnomAD exomes 0.00148; ExAC 0.00169; 1000 Genomes Project 0.00180; 1000 Genomes Project 30x 0.00187.
gnomAD v4.1: 635 of 1,584,908 alleles (0.04%); highest among the groups gnomAD compares: Admixed American, 0.74%; 12 homozygotes.

Submissions (4):

CeGaT Center for Human Genetics Tuebingen
Classification: Likely benign. Last evaluated: 2026-04-01. Review status: criteria provided, single submitter. Criteria: CeGaT Center For Human Genetics Tuebingen Variant Classification Criteria Version 2. Collection method: clinical testing. Allele origin: germline. Affected: yes. Observed: 1 variant allele.
Comment: STRC: BS2

Ambry Genetics
Classification: Uncertain significance for Inborn genetic diseases. Last evaluated: 2025-04-10. Review status: criteria provided, single submitter. Criteria: Ambry Variant Classification Scheme 2023. Collection method: clinical testing. Allele origin: germline.

GeneDx
Classification: Uncertain significance. Last evaluated: 2017-08-23. Review status: criteria provided, single submitter. Criteria: GeneDx Variant Classification (06012015). Collection method: clinical testing. Allele origin: germline. Affected: yes.
Comment: The V1386A variant in the STRC gene has not been reported previously as a pathogenic variant, nor as a benign variant, to our knowledge. It is reported as likely benign in ClinVar by a different clinical laboratory, but additional evidence is not available (ClinVar SCV000270870.1; Landrum et al., 2015). The V1386A variant is observed in 6/694 (0.86%) alleles from individuals of mixed American background in the 1000 Genomes Project and in 76/78406 (0.097%) alleles from individuals undergoing testing at GeneDx who were not reported to have features of DFNB16, including one homozygous individual (1000 Genomes Consortium et al., 2015). The V1386A variant is a conservative amino acid substitution, which is not likely to impact secondary protein structure as these residues share similar properties. This substitution occurs at a position that is not conserved. In silico analysis is inconsistent in its predictions as to whether or not the variant is damaging to the protein structure/function. We interpret V1386A as a variant of uncertain significance.

Laboratory for Molecular Medicine, Mass General Brigham Personalized Medicine
Classification: Likely benign. Last evaluated: 2015-02-26. Review status: criteria provided, single submitter. Criteria: LMM Criteria. Collection method: clinical testing. Allele origin: germline. Observed: 4 variant alleles.
Comment: p.Val1386Ala in exon 21 of STRC: This variant is not expected to have clinical s ignificance because it has been identified in 2.6% (32/1250) of Latino chromosom es by the Exome Aggregation Consortium (ExAC; db SNP rs377674360).

NM_153700.2(STRC):c.4157T>C (p.Val1386Ala)

Gene: STRC (stereocilin; minus strand). Cytogenetic location: 15q15.3.
Variant type: single nucleotide variant.
Coding change: c.4157T>C on transcript NM_153700.2 (MANE Select); coding-DNA position 4157, T replaced by C.
Protein change: p.Val1386Ala; replaces valine 1386 with alanine.
Molecular consequence: missense variant.
Genome position (GRCh38, 1-based): chr15:43,604,422, A>G on the plus strand (T>C on the coding strand, the complement: STRC is on the minus strand). VCF-style: chr15-43604422-A-G. GRCh37 (hg19) VCF-style: chr15-43896620-A-G.
Other names: short protein forms V1386A.
Identifiers: ClinVar variation 227967 (VCV000227967.9), dbSNP rs377674360, ClinGen allele CA7528127.